The following is an entry in ClinVar:

ClinVar aggregate classification (germline): Pathogenic. Review status: criteria provided, multiple submitters, no conflicts (2 of 4 stars). 2 submissions from 2 submitters: Pathogenic (2). Last evaluated 2025-09-15.

Conditions:
Hereditary cancer-predisposing syndrome. Also called: Hereditary Cancer Syndrome; Hereditary neoplastic syndrome; Neoplastic Syndromes, Hereditary; Tumor predisposition. Identifiers: Orphanet 140162, MedGen C0027672, MeSH D009386, MONDO:0015356.

Submissions (2):

Labcorp Genetics (formerly Invitae), Labcorp
Classification: Pathogenic. Last evaluated: 2025-09-15. Review status: criteria provided, single submitter. Criteria: Invitae Variant Classification Sherloc (09022015). Collection method: clinical testing. Allele origin: germline.
Comment: This sequence change creates a premature translational stop signal (p.Leu154Argfs*13) in the NTHL1 gene. It is expected to result in an absent or disrupted protein product. Loss-of-function variants in NTHL1 are known to be pathogenic (PMID: 25938944, 26559593). This variant is not present in population databases (gnomAD no frequency). This variant has not been reported in the literature in individuals affected with NTHL1-related conditions. ClinVar contains an entry for this variant (Variation ID: 1740398). For these reasons, this variant has been classified as Pathogenic.

Ambry Genetics
Classification: Pathogenic for Hereditary cancer-predisposing syndrome. Last evaluated: 2020-03-10. Review status: criteria provided, single submitter. Criteria: Ambry Variant Classification Scheme 2023. Collection method: clinical testing. Allele origin: germline.
Comment: The c.441_460dup20 variant, located in coding exon 3 of the NTHL1 gene, results from a duplication of GGCGGGCGCCATGCAGCGAC at nucleotide position 441, causing a translational frameshift with a predicted alternate stop codon (p.L154Rfs*13). This alteration is expected to result in loss of function by premature protein truncation or nonsense-mediated mRNA decay. As such, this alteration is interpreted as a disease-causing mutation.

Literature cited by the submitters: PubMed 25938944 (cited by Labcorp Genetics (formerly Invitae), Labcorp); PubMed 26559593 (cited by Labcorp Genetics (formerly Invitae), Labcorp).

NM_002528.7(NTHL1):c.417_436dup (p.Leu146fs)

Gene: NTHL1 (nth like DNA glycosylase 1; minus strand). Cytogenetic location: 16p13.3.
Variant type: Duplication.
Coding change: c.417_436dup on transcript NM_002528.7 (MANE Select); coding-DNA positions 417 to 436, 20 bases duplicated (GGCGGGCGCCATGCAGCGAC).
Protein change: p.Leu146fs; shifts the reading frame from leucine 146.
Molecular consequence: frameshift variant. On other transcripts: intron variant (1).
Genome position (GRCh38, 1-based): chr16:2,044,719-2,044,738, GTCGCTGCATGGCGCCCGCC duplicated on the plus strand (GGCGGGCGCCATGCAGCGAC on the coding strand, the reverse complement: NTHL1 is on the minus strand); duplicating any 20 consecutive bases within chr16:2,044,719-2,044,741 gives the same sequence; the c. name uses the placement nearest the transcript's 3' end. VCF-style (leftmost placement, unchanged base first): chr16-2044718-A-AGTCGCTGCATGGCGCCCGCC. GRCh37 (hg19) VCF-style: chr16-2094719-A-AGTCGCTGCATGGCGCCCGCC.
Other names: c.87_106dup, p.Leu36fs (NM_001318194.2); c.355-1012_355-993dup (NM_001318193.2); short protein forms L146fs, L36fs.
Identifiers: ClinVar variation 1740398 (VCV001740398.3), dbSNP rs2548316296, ClinGen allele CA973765106.